The following is an entry in ClinVar:

ClinVar aggregate classification (germline): Likely benign. Review status: criteria provided, multiple submitters, no conflicts (2 of 4 stars). 2 submissions from 2 submitters: Likely benign (2). Last evaluated 2026-08-01.

Conditions:
KCTD3-related disorder. Also called: KCTD3-related condition.

Submissions (2):

CeGaT Center for Human Genetics Tuebingen
Classification: Likely benign. Last evaluated: 2026-08-01. Review status: criteria provided, single submitter. Criteria: CeGaT Center For Human Genetics Tuebingen Variant Classification Criteria Version 2. Collection method: clinical testing. Allele origin: germline. Affected: yes. Observed: 1 variant allele.
Comment: KCTD3: BS2

PreventionGenetics, part of Exact Sciences
Classification: Likely benign for KCTD3-related condition. Last evaluated: 2026-01-14. Review status: criteria provided, single submitter. Criteria: ACMG Guidelines, 2015. Collection method: clinical testing. Allele origin: germline.
Comment: This variant is classified as likely benign based on ACMG/AMP sequence variant interpretation guidelines (Richards et al. 2015 PMID: 25741868, with internal and published modifications).

NM_016121.5(KCTD3):c.350G>A (p.Arg117His)

Gene: KCTD3 (potassium channel tetramerization domain containing 3; plus strand). Cytogenetic location: 1q41.
Variant type: single nucleotide variant.
Coding change: c.350G>A on transcript NM_016121.5 (MANE Select); coding-DNA position 350, G replaced by A.
Protein change: p.Arg117His; replaces arginine 117 with histidine.
Molecular consequence: missense variant.
Genome position (GRCh38, 1-based): chr1:215,578,034, G>A. VCF-style: chr1-215578034-G-A. GRCh37 (hg19) VCF-style: chr1-215751377-G-A.
Other names: c.350G>A, p.Arg117His (NM_001319294.2); c.44G>A, p.Arg15His (NM_001319295.2); short protein forms R15H, R117H.
Identifiers: ClinVar variation 4980743 (VCV004980743.2).
Genomic context (GRCh38, chr1:215,578,034, plus strand): 5'-GACAAGTTTGCTTTGAAATGTTTTTAGTAAGAAGGCTTCTCTTATGTGAAGAATTGGAGC[G>A]TTCCTCTTGTGGCAGTGTCCTTTTTCATGGTTACTTGCCCCCACCAGGTATTTTCACTTT-3'
Protein context (NP_057205.2, residues 107-127): RRLLLCEELE[Arg117His]SSCGSVLFHG